The following is an entry in ClinVar:

ClinVar aggregate classification (germline): Uncertain significance. Review status: criteria provided, multiple submitters, no conflicts (2 of 4 stars). 3 submissions from 3 submitters: Uncertain significance (3). Last evaluated 2024-11-07.

gnomAD v4.1: 19 of 1,614,098 alleles (0.0012%); highest among the groups gnomAD compares: Admixed American, 0.01%; no homozygotes.

Submissions (3):

Ambry Genetics
Classification: Uncertain significance. Last evaluated: 2024-11-07. Review status: criteria provided, single submitter. Criteria: Ambry Variant Classification Scheme 2023. Collection method: clinical testing. Allele origin: germline.

Blueprint Genetics
Classification: Uncertain significance. Last evaluated: 2023-11-27. Review status: criteria provided, single submitter. Criteria: ACMG Guidelines, 2015. Collection method: clinical testing. Allele origin: germline.

Labcorp Genetics (formerly Invitae), Labcorp
Classification: Uncertain significance. Last evaluated: 2022-07-19. Review status: criteria provided, single submitter. Criteria: Invitae Variant Classification Sherloc (09022015). Collection method: clinical testing. Allele origin: germline.
Comment: This sequence change replaces glycine, which is neutral and non-polar, with arginine, which is basic and polar, at codon 115 of the RCBTB1 protein (p.Gly115Arg). This variant is present in population databases (rs372162764, gnomAD 0.006%). This variant has not been reported in the literature in individuals affected with RCBTB1-related conditions. ClinVar contains an entry for this variant (Variation ID: 1053651). Algorithms developed to predict the effect of missense changes on protein structure and function are either unavailable or do not agree on the potential impact of this missense change (SIFT: "Deleterious"; PolyPhen-2: "Benign"; Align-GVGD: "Class C15"). In summary, the available evidence is currently insufficient to determine the role of this variant in disease. Therefore, it has been classified as a Variant of Uncertain Significance.

NM_018191.4(RCBTB1):c.343G>C (p.Gly115Arg)

Gene: RCBTB1 (RCC1 and BTB domain containing protein 1; minus strand). Cytogenetic location: 13q14.2.
Variant type: single nucleotide variant.
Coding change: c.343G>C on transcript NM_018191.4 (MANE Select); coding-DNA position 343, G replaced by C.
Protein change: p.Gly115Arg; replaces glycine 115 with arginine.
Molecular consequence: missense variant. On other transcripts: 5 prime UTR variant (1), non-coding transcript variant (2).
Genome position (GRCh38, 1-based): chr13:49,560,019, C>G on the plus strand (G>C on the coding strand, the complement: RCBTB1 is on the minus strand). VCF-style: chr13-49560019-C-G. GRCh37 (hg19) VCF-style: chr13-50134155-C-G.
Other names: c.343G>C, p.Gly115Arg (NM_001352500.2, NM_001352501.2, NM_001352502.2 and 3 more transcripts); c.-267G>C (NM_001352506.2); c.343G>C (NM_018191.3); short protein forms G115R.
Identifiers: ClinVar variation 1053651 (VCV001053651.9), dbSNP rs372162764, ClinGen allele CA6982909.